The following is an entry in ClinVar:

NM_001128840.3(CACNA1D):c.1367G>T (p.Gly456Val)

Gene: CACNA1D (calcium voltage-gated channel subunit alpha1 D; plus strand). Cytogenetic location: 3p21.1.
Variant type: single nucleotide variant.
Coding change: c.1367G>T on transcript NM_001128840.3 (MANE Select); coding-DNA position 1367, G replaced by T.
Protein change: p.Gly456Val; replaces glycine 456 with valine.
Molecular consequence: missense variant.
Genome position (GRCh38, 1-based): chr3:53,702,787, G>T. VCF-style: chr3-53702787-G-T. GRCh37 (hg19) VCF-style: chr3-53736814-G-T.
Other names: c.1367G>T, p.Gly456Val (NM_000720.4, NM_001128839.3); short protein forms G456V.
Identifiers: ClinVar variation 3728610 (VCV003728610.2).

ClinVar aggregate classification (germline): Uncertain significance (1 of 4 stars; one submission).

Submission:

Labcorp Genetics (formerly Invitae), Labcorp
Classification: Uncertain significance. Last evaluated: 2025-01-07. Review status: criteria provided, single submitter. Criteria: Invitae Variant Classification Sherloc (09022015). Collection method: clinical testing. Allele origin: germline.
Comment: This sequence change replaces glycine, which is neutral and non-polar, with valine, which is neutral and non-polar, at codon 456 of the CACNA1D protein (p.Gly456Val). This variant is not present in population databases (gnomAD no frequency). This variant has not been reported in the literature in individuals affected with CACNA1D-related conditions. An algorithm developed to predict the effect of missense changes on protein structure and function (PolyPhen-2) suggests that this variant is likely to be tolerated. In summary, the available evidence is currently insufficient to determine the role of this variant in disease. Therefore, it has been classified as a Variant of Uncertain Significance.